The following is an entry in ClinVar:

ClinVar aggregate classification (germline): Likely benign (0 of 4 stars; one submission).

Conditions:
ZBTB40-related disorder. Also called: ZBTB40-related condition.

Allele frequency attached by ClinVar (database versions not stated): gnomAD 0.00011; TOPMed 0.00023; 1000 Genomes Project 0.00040; 1000 Genomes Project 30x 0.00047.
gnomAD v4.1: 156 of 1,614,148 alleles (0.0097%); highest among the groups gnomAD compares: Admixed American, 0.25%; no homozygotes.

Submission:

PreventionGenetics, part of Exact Sciences
Classification: Likely benign for ZBTB40-related condition. Last evaluated: 2022-08-10. Review status: no assertion criteria provided. Collection method: clinical testing. Allele origin: germline.
Comment: This variant is classified as likely benign based on ACMG/AMP sequence variant interpretation guidelines (Richards et al. 2015 PMID: 25741868, with internal and published modifications).

NM_014870.4(ZBTB40):c.2353C>G (p.Gln785Glu)

Gene: ZBTB40 (zinc finger and BTB domain containing 40; plus strand). Cytogenetic location: 1p36.12.
Variant type: single nucleotide variant.
Coding change: c.2353C>G on transcript NM_014870.4 (MANE Select); coding-DNA position 2353, C replaced by G.
Protein change: p.Gln785Glu; replaces glutamine 785 with glutamic acid.
Molecular consequence: missense variant.
Genome position (GRCh38, 1-based): chr1:22,512,026, C>G. VCF-style: chr1-22512026-C-G. GRCh37 (hg19) VCF-style: chr1-22838519-C-G.
Other names: c.2353C>G, p.Gln785Glu (NM_001083621.2); c.2017C>G, p.Gln673Glu (NM_001330398.2); short protein forms Q673E, Q785E.
Identifiers: ClinVar variation 3051741 (VCV003051741.2), dbSNP rs182939277, ClinGen allele CA676122.